The following is an entry in ClinVar:

NM_003839.4(TNFRSF11A):c.1623C>G (p.Asn541Lys)

Gene: TNFRSF11A (TNF receptor superfamily member 11a; plus strand). Cytogenetic location: 18q21.33.
Variant type: single nucleotide variant.
Coding change: c.1623C>G on transcript NM_003839.4 (MANE Select); coding-DNA position 1623, C replaced by G.
Protein change: p.Asn541Lys; replaces asparagine 541 with lysine.
Molecular consequence: missense variant. On other transcripts: 3 prime UTR variant (1).
Genome position (GRCh38, 1-based): chr18:62,384,806, C>G. VCF-style: chr18-62384806-C-G. GRCh37 (hg19) VCF-style: chr18-60052039-C-G.
Other names: c.*47C>G (NM_001270949.2); c.786C>G, p.Asn262Lys (NM_001270950.2); c.672C>G, p.Asn224Lys (NM_001270951.2); c.1581C>G, p.Asn527Lys (NM_001278268.2); short protein forms N224K, N262K, N527K, N541K.
Identifiers: ClinVar variation 3651401 (VCV003651401.2).
Genomic context (GRCh38, chr18:62,384,806, plus strand): 5'-CGCAGGAAATGTGACTGGAAACAGTAACTCCACGTTCATCTCCAGCGGGCAGGTGATGAA[C>G]TTCAAGGGCGACATCATCGTGGTCTACGTCAGCCAGACCTCGCAGGAGGGCGCGGCGGCG-3'
Protein context (NP_003830.1, residues 531-551): STFISSGQVM[Asn541Lys]FKGDIIVVYV

ClinVar aggregate classification (germline): Uncertain significance (1 of 4 stars; one submission).

gnomAD v4.1: 2 of 1,612,720 alleles (0.00012%); highest among the groups gnomAD compares: African/African-American, 0.0027%; no homozygotes.

Submission:

Labcorp Genetics (formerly Invitae), Labcorp
Classification: Uncertain significance. Last evaluated: 2025-02-03. Review status: criteria provided, single submitter. Criteria: Invitae Variant Classification Sherloc (09022015). Collection method: clinical testing. Allele origin: germline.
Comment: This sequence change replaces asparagine, which is neutral and polar, with lysine, which is basic and polar, at codon 541 of the TNFRSF11A protein (p.Asn541Lys). This variant is not present in population databases (gnomAD no frequency). This variant has not been reported in the literature in individuals affected with TNFRSF11A-related conditions. An algorithm developed to predict the effect of missense changes on protein structure and function (PolyPhen-2) suggests that this variant is likely to be disruptive. In summary, the available evidence is currently insufficient to determine the role of this variant in disease. Therefore, it has been classified as a Variant of Uncertain Significance.